The following is an entry in ClinVar:

ClinVar aggregate classification (germline): Uncertain significance. Review status: criteria provided, multiple submitters, no conflicts (2 of 4 stars). 4 submissions from 4 submitters: Uncertain significance (4). Last evaluated 2024-04-08.

Conditions:
Multiple acyl-CoA dehydrogenase deficiency (MADD). Also called: Glutaric aciduria, type 2; Glutaric acidemia type II; GA 2; ETHYLMALONIC-ADIPICACIDURIA; GA II; Glutaric Acidemia type 2. Identifiers: Orphanet 26791, MedGen C0268596, MONDO:0009282, OMIM 231680.
Inborn genetic diseases. Identifiers: MedGen C0950123, MeSH D030342.

Allele frequency attached by ClinVar (database versions not stated): TOPMed below 0.00001; gnomAD 0.00001; ExAC 0.00003; gnomAD exomes 0.00004.
gnomAD v4.1: 31 of 1,613,354 alleles (0.0019%); highest among the groups gnomAD compares: South Asian, 0.0066%; 1 homozygote.

Submissions (4):

Labcorp Genetics (formerly Invitae), Labcorp
Classification: Uncertain significance for Multiple acyl-CoA dehydrogenase deficiency. Last evaluated: 2024-04-08. Review status: criteria provided, single submitter. Criteria: Invitae Variant Classification Sherloc (09022015). Collection method: clinical testing. Allele origin: germline.
Comment: This sequence change replaces arginine, which is basic and polar, with tryptophan, which is neutral and slightly polar, at codon 495 of the ETFDH protein (p.Arg495Trp). This variant is present in population databases (rs774810601, gnomAD 0.02%). This variant has not been reported in the literature in individuals affected with ETFDH-related conditions. ClinVar contains an entry for this variant (Variation ID: 900246). Advanced modeling of protein sequence and biophysical properties (such as structural, functional, and spatial information, amino acid conservation, physicochemical variation, residue mobility, and thermodynamic stability) performed at Invitae indicates that this missense variant is not expected to disrupt ETFDH protein function with a negative predictive value of 80%. In summary, the available evidence is currently insufficient to determine the role of this variant in disease. Therefore, it has been classified as a Variant of Uncertain Significance.

Ambry Genetics
Classification: Uncertain significance for Inborn genetic diseases. Last evaluated: 2023-03-21. Review status: criteria provided, single submitter. Criteria: Ambry Variant Classification Scheme 2023. Collection method: clinical testing. Allele origin: germline.

Fulgent Genetics
Classification: Uncertain significance for Multiple acyl-CoA dehydrogenase deficiency. Last evaluated: 2021-07-15. Review status: criteria provided, single submitter. Criteria: ACMG Guidelines, 2015. Collection method: clinical testing. Allele origin: unknown.

Illumina Laboratory Services, Illumina
Classification: Uncertain significance for Multiple acyl-CoA dehydrogenase deficiency. Last evaluated: 2017-04-27. Review status: criteria provided, single submitter. Criteria: ICSL Variant Classification Criteria 13 December 2019. Collection method: clinical testing. Allele origin: germline.

NM_004453.4(ETFDH):c.1483C>T (p.Arg495Trp)

Gene: ETFDH (electron transfer flavoprotein dehydrogenase; plus strand). Cytogenetic location: 4q32.1.
Variant type: single nucleotide variant.
Coding change: c.1483C>T on transcript NM_004453.4 (MANE Select); coding-DNA position 1483, C replaced by T.
Protein change: p.Arg495Trp; replaces arginine 495 with tryptophan.
Molecular consequence: missense variant.
Genome position (GRCh38, 1-based): chr4:158,706,643, C>T. VCF-style: chr4-158706643-C-T. GRCh37 (hg19) VCF-style: chr4-159627795-C-T.
Other names: c.1342C>T, p.Arg448Trp (NM_001281737.2); c.1300C>T, p.Arg434Trp (NM_001281738.1); short protein forms R434W, R448W, R495W.
Identifiers: ClinVar variation 900246 (VCV000900246.9), dbSNP rs774810601, ClinGen allele CA3122645.
Genomic context (GRCh38, chr4:158,706,643, plus strand): 5'-CTTCAAAATCATATTTTGTTAAGCATTTCCCTCAAAATTGTTGAAGGTTCTGACTTTGAA[C>T]GGCTCAAGCCAGCCAAGGATTGCACACCTATTGAGTATCCAAAACCCGATGGACAGATCA-3'
Protein context (NP_004444.2, residues 485-505): TLKHKGSDFE[Arg495Trp]LKPAKDCTPI